The following is an entry in ClinVar:

NM_001277115.2(DNAH11):c.13542A>G (p.Leu4514=)

Genes: CDCA7L (cell division cycle associated 7 like; minus strand), DNAH11 (dynein axonemal heavy chain 11; plus strand). Cytogenetic location: 7p15.3.
Variant type: single nucleotide variant.
Coding change: c.13542A>G on transcript NM_001277115.2 (MANE Select); coding-DNA position 13542, A replaced by G.
Protein change: p.Leu4514=; no amino-acid change (leucine 4514 retained).
Molecular consequence: synonymous variant. On other transcripts: 3 prime UTR variant (3).
Genome position (GRCh38, 1-based): chr7:21,901,245, A>G. VCF-style: chr7-21901245-A-G. GRCh37 (hg19) VCF-style: chr7-21940863-A-G.
Other names: c.*1077T>C (NM_001127370.3, NM_001127371.3, NM_018719.5).
Identifiers: ClinVar variation 2790076 (VCV002790076.5), dbSNP rs1278794334, ClinGen allele CA454140513.

ClinVar aggregate classification (germline): Likely benign. Review status: criteria provided, single submitter (1 of 4 stars). 2 submissions from 2 submitters: Likely benign (1). 1 of the submissions does not count toward it. Last evaluated 2023-03-20.

Conditions:
DNAH11-related disorder. Also called: DNAH11-related condition.
Primary ciliary dyskinesia. Also called: Ciliary dyskinesia. Identifiers: Orphanet 244, MedGen C0008780, MONDO:0016575, HP:0012265.

Allele frequency attached by ClinVar (database versions not stated): gnomAD exomes below 0.00001; TOPMed below 0.00001; gnomAD 0.00001.
gnomAD v4.1: 3 of 1,604,822 alleles (0.00019%); highest among the groups gnomAD compares: Non-Finnish European, 0.00017%; no homozygotes.

Submissions (2):

Labcorp Genetics (formerly Invitae), Labcorp
Classification: Likely benign for Primary ciliary dyskinesia. Last evaluated: 2023-03-20. Review status: criteria provided, single submitter. Criteria: Invitae Variant Classification Sherloc (09022015). Collection method: clinical testing. Allele origin: germline.

PreventionGenetics, part of Exact Sciences
Classification: Likely benign for DNAH11-related condition. Last evaluated: 2020-12-07. Review status: no assertion criteria provided. Collection method: clinical testing. Allele origin: germline. Not counted in ClinVar's aggregate classification.
Comment: This variant is classified as likely benign based on ACMG/AMP sequence variant interpretation guidelines (Richards et al. 2015 PMID: 25741868, with internal and published modifications).